The following is an entry in ClinVar:

NM_002230.4(JUP):c.468+3C>A

Gene: JUP (junction plakoglobin; minus strand). Cytogenetic location: 17q21.2.
Variant type: single nucleotide variant.
Coding change: c.468+3C>A on transcript NM_002230.4 (MANE Select); 3 bases into the intron after coding-DNA position 468, C replaced by A.
Molecular consequence: intron variant.
Genome position (GRCh38, 1-based): chr17:41,769,415, G>T on the plus strand (C>A on the coding strand, the complement: JUP is on the minus strand). VCF-style: chr17-41769415-G-T. GRCh37 (hg19) VCF-style: chr17-39925667-G-T.
Other names: c.468+3C>A (NM_001352774.2, NM_021991.4, NM_001352776.2 and 3 more transcripts).
Identifiers: ClinVar variation 4786091 (VCV004786091.1).

ClinVar aggregate classification (germline): Uncertain significance (1 of 4 stars; one submission).

Conditions:
Arrhythmogenic right ventricular dysplasia 12. Also called: ARRHYTHMOGENIC RIGHT VENTRICULAR DYSPLASIA, FAMILIAL, 12. Identifiers: MedGen C1969081, MONDO:0012684, OMIM 611528.
Naxos disease (NXD). Also called: WOOLLY HAIR, PALMOPLANTAR KERATODERMA, AND CARDIAC ABNORMALITIES; KERATOSIS PALMOPLANTARIS WITH ARRHYTHMOGENIC CARDIOMYOPATHY; MAL DE NAXOS; PALMOPLANTAR KERATODERMA WITH ARRHYTHMOGENIC RIGHT VENTRICULAR CARDIOMYOPATHY AND WOOLLY HAIR; CARDIOMYOPATHY, ARRHYTHMOGENIC RIGHT VENTRICULAR, WITH SKIN, HAIR, AND NAIL ABNORMALITIES. Identifiers: Orphanet 34217, MedGen C1832600, MONDO:0011017, OMIM 601214.

gnomAD v4.1: 9 of 1,610,048 alleles (0.00056%); highest among the groups gnomAD compares: South Asian, 0.01%; no homozygotes.

Submission:

Labcorp Genetics (formerly Invitae), Labcorp
Classification: Uncertain significance for Arrhythmogenic right ventricular dysplasia 12; Naxos disease. Last evaluated: 2025-09-08. Review status: criteria provided, single submitter. Criteria: Invitae Variant Classification Sherloc (09022015). Collection method: clinical testing. Allele origin: germline.
Comment: This sequence change falls in intron 3 of the JUP gene. It does not directly change the encoded amino acid sequence of the JUP protein. It affects a nucleotide within the consensus splice site. This variant is present in population databases (rs782012914, gnomAD 0.02%). This variant has not been reported in the literature in individuals affected with JUP-related conditions. Variants that disrupt the consensus splice site are a relatively common cause of aberrant splicing (PMID: 17576681, 9536098). Algorithms developed to predict the effect of sequence changes on RNA splicing suggest that this variant is not likely to affect RNA splicing. In summary, the available evidence is currently insufficient to determine the role of this variant in disease. Therefore, it has been classified as a Variant of Uncertain Significance.

Literature cited by the submitters: PubMed 17576681; PubMed 9536098.